The following is an entry in ClinVar:

ClinVar aggregate classification (germline): Uncertain significance. Review status: criteria provided, multiple submitters, no conflicts (2 of 4 stars). 3 submissions from 3 submitters: Uncertain significance (3). Last evaluated 2026-01-27.

Conditions:
Acrocallosal syndrome (ACLS). Also called: Schinzel syndrome 1; Absence of corpus callosum with unusual facial appearance, mental deficiency, duplication of the halluces and polydactyly; HALLUX DUPLICATION, POSTAXIAL POLYDACTYLY, AND ABSENCE OF CORPUS CALLOSUM. Identifiers: Orphanet 36, MedGen C0796147, MONDO:0008708, OMIM 200990.

Allele frequency attached by ClinVar (database versions not stated): TOPMed 0.00001; gnomAD 0.00001; gnomAD exomes 0.00001.

Submissions (3):

GeneDx
Classification: Uncertain significance. Last evaluated: 2026-01-27. Review status: criteria provided, single submitter. Criteria: GeneDx Variant Classification Process June 2021. Collection method: clinical testing. Allele origin: germline.
Comment: Not observed at significant frequency in large population cohorts (gnomAD); In silico analysis supports that this missense variant has a deleterious effect on protein structure/function; Has not been previously published as pathogenic or benign to our knowledge

Labcorp Genetics (formerly Invitae), Labcorp
Classification: Uncertain significance for Acrocallosal syndrome. Last evaluated: 2022-07-25. Review status: criteria provided, single submitter. Criteria: Invitae Variant Classification Sherloc (09022015). Collection method: clinical testing. Allele origin: germline.
Comment: This sequence change replaces arginine, which is basic and polar, with histidine, which is basic and polar, at codon 739 of the KIF7 protein (p.Arg739His). The frequency data for this variant in the population databases is considered unreliable, as metrics indicate poor data quality at this position in the gnomAD database. This variant has not been reported in the literature in individuals affected with KIF7-related conditions. ClinVar contains an entry for this variant (Variation ID: 887226). Algorithms developed to predict the effect of missense changes on protein structure and function are either unavailable or do not agree on the potential impact of this missense change (SIFT: "Deleterious"; PolyPhen-2: "Probably Damaging"; Align-GVGD: "Class C0"). In summary, the available evidence is currently insufficient to determine the role of this variant in disease. Therefore, it has been classified as a Variant of Uncertain Significance.

Illumina Laboratory Services, Illumina
Classification: Uncertain significance for Acrocallosal syndrome. Last evaluated: 2018-01-13. Review status: criteria provided, single submitter. Criteria: ICSL Variant Classification Criteria 13 December 2019. Collection method: clinical testing. Allele origin: germline.

NM_198525.3(KIF7):c.2216G>A (p.Arg739His)

Gene: KIF7 (kinesin family member 7; minus strand). Cytogenetic location: 15q26.1.
Variant type: single nucleotide variant.
Coding change: c.2216G>A on transcript NM_198525.3 (MANE Select); coding-DNA position 2216, G replaced by A.
Protein change: p.Arg739His; replaces arginine 739 with histidine.
Molecular consequence: missense variant.
Genome position (GRCh38, 1-based): chr15:89,642,381, C>T on the plus strand (G>A on the coding strand, the complement: KIF7 is on the minus strand). VCF-style: chr15-89642381-C-T. GRCh37 (hg19) VCF-style: chr15-90185612-C-T.
Other names: short protein forms R739H.
Identifiers: ClinVar variation 887226 (VCV000887226.10), dbSNP rs943930875, ClinGen allele CA274577210.